The following is an entry in ClinVar:

NM_000051.4(ATM):c.7983TGT[2] (p.Val2664del)

Genes: ATM (ATM serine/threonine kinase; plus strand), C11orf65 (chromosome 11 open reading frame 65; minus strand). Cytogenetic location: 11q22.3.
Variant type: Microsatellite.
Coding change: c.7983TGT[2] on transcript NM_000051.4 (MANE Select); two copies in a row of the 3-base unit TGT starting at c.7983; the reference has three copies in a row; one copy, 3 bases deleted; also written c.7989_7991del.
Protein change: p.Val2664del; deletes valine 2664.
Molecular consequence: inframe deletion. On other transcripts: inframe indel (2), intron variant (2).
Genome position (GRCh38, 1-based): chr11:108,333,947-108,333,949, TGT deleted; deleting any 3 consecutive bases within chr11:108,333,941-108,333,949 gives the same sequence; the position shown is the placement nearest the transcript's 3' end. VCF-style (leftmost placement, unchanged base first): chr11-108333940-ATGT-A. GRCh37 (hg19) VCF-style: chr11-108204667-ATGT-A.
Other names: c.7989_7991delTGT (NM_000051.3); c.7989_7991del (NM_000051.4, NM_000051.3); c.7983TGT[2], p.Val2664del (NM_001351834.2); c.641-24878ACA[2] (NM_001330368.2); c.*38+1271ACA[2] (NM_001351110.2); short protein forms V2664del.
Identifiers: ClinVar variation 233938 (VCV000233938.29), dbSNP rs876660743, ClinGen allele CA10579278.
Genomic context (GRCh38, chr11:108,333,940, plus strand): 5'-ATACAGAAGGCATAAATATTCCAGCAGACCAGCCAATTACTAAACTTAAGAATTTAGAAG[ATGT>A]TGTTGTCCCTACTATGGAAATTAAGGTAATTTGCAATTAACTCTTGATTTTTTTTAAACT-3'

ClinVar aggregate classification (germline): Pathogenic/Likely pathogenic. Review status: criteria provided, multiple submitters, no conflicts (2 of 4 stars). 9 submissions from 9 submitters: Pathogenic (1); Likely pathogenic (8). Last evaluated 2026-01-13.

Conditions:
Hereditary cancer-predisposing syndrome. Also called: Neoplastic Syndromes, Hereditary; Hereditary neoplastic syndrome; Tumor predisposition; Hereditary Cancer Syndrome. Identifiers: Orphanet 140162, MedGen C0027672, MeSH D009386, MONDO:0015356.
ATM-related cancer predisposition. Also called: ATM-related cancer susceptibility. Identifiers: MedGen CN377759, MONDO:0700270.
Familial cancer of breast. Also called: hereditary breast carcinoma; Hereditary breast cancer; BREAST CANCER, FAMILIAL. Identifiers: Orphanet 227535, MedGen C0346153, MONDO:0016419, OMIM 114480. Disease mechanism: loss of function.
Ataxia-telangiectasia syndrome (AT). Also called: Ataxia telangiectasia (A-T); Cerebello-oculocutaneous telangiectasia; Immunodeficiency with ataxia telangiectasia; LOUIS-BAR SYNDROME; AT, COMPLEMENTATION GROUP C; ATAXIA-TELANGIECTASIA, FRESNO VARIANT. Identifiers: Orphanet 100, MedGen C0004135, MONDO:0008840, OMIM 208900.

Submissions (9):

Labcorp Genetics (formerly Invitae), Labcorp
Classification: Likely pathogenic for Ataxia-telangiectasia syndrome. Last evaluated: 2026-01-13. Review status: criteria provided, single submitter. Criteria: Invitae Variant Classification Sherloc (09022015). Collection method: clinical testing. Allele origin: germline.
Comment: This variant, c.7989_7991del, results in the deletion of 1 amino acid(s) of the ATM protein (p.Val2664del), but otherwise preserves the integrity of the reading frame. This variant is present in population databases (no rsID available, gnomAD 0.006%). This variant has been observed in individual(s) with ataxia-telangiectasia (A-T) as homozygous or co-occurring with another pathogenic ATM variant, as well as in A-T-affected individuals in whom no second variant was reported (PMID: 9887333, 10425038, 10817650, 21965147). This variant is also known as V2662del, 7989delTGT and Del 3 at codon 2663. ClinVar contains an entry for this variant (Variation ID: 233938). Algorithms developed to predict the effect of variants on gene product structure and function are not available or were not evaluated for this variant. Experimental studies have shown that this variant affects ATM function (PMID: 11805335). In summary, the currently available evidence indicates that the variant is pathogenic, but additional data are needed to prove that conclusively. Therefore, this variant has been classified as Likely Pathogenic.

Dasa
Classification: Likely pathogenic for ATM-related cancer predisposition. Last evaluated: 2025-09-03. Review status: criteria provided, single submitter. Criteria: DASA Assertion Criteria. Collection method: clinical testing. Allele origin: germline.
Comment: NM_000051.4(ATM):c.7989_7991del (p.Val2664del) is an in-frame deletion predicted to remove valine at protein position 2664 without shifting the reading frame. This variant has been reported in individuals with ATM-related cancer predisposition (PMID: 9887333). Functional evidence supports an impact on the gene or gene product (PMID: 9887333). Also, this variant is rare in population databases. Based on the currently available evidence, this variant is classified as likely pathogenic.

Ambry Genetics
Classification: Likely pathogenic for Hereditary cancer-predisposing syndrome. Last evaluated: 2025-06-05. Review status: criteria provided, single submitter. Criteria: Ambry Variant Classification Scheme 2023. Collection method: clinical testing. Allele origin: germline.
Comment: The c.7989_7991delTGT variant (also known as p.V2664del) is located in coding exon 53 of the ATM gene. This variant results from an in-frame deletion of 3 nucleotides between positions 7989 to 7991. This results in the deletion of a valine residue at codon 2664. This alteration has been described in several individuals diagnosed with ataxia-telangiectasia (A-T), including being detected as a homozygous alteration and in conjunction with another pathogenic ATM mutation (Sandoval N et al. Hum Mol Genet. 1999 Jan;8(1):69-79; Castellvi-Bel S et al. Hum Mutat. 1999;14(2):156-62; Li A and Swift M et al. Am J Med Genet. 2000 May 29;92(3):170-7; Demuth I et al. Neurogenetics. 2011 Nov;12(4):273-82; Chen Z et al. Neurobiol Aging, 2013 Oct;34:2442.e11-7). In addition, functional assays have shown reduced levels of ATM protein expression and an absence of induced ATM kinase activity (Sandoval N et al. Hum Mol Genet. 1999 Jan;8(1):69-79; Scott SP et al. Proc Natl Acad Sci U S A. 2002 Jan 22;99(2):925-30). Based on internal structural analysis, this alteration is deleterious and is more untolerated than nearby pathogenic variants (Ambry internal data). Of note, this alteration is also designated as V2662del and V2663del in published literature. In addition, this alteration is predicted to be deleterious by in silico analysis (Choi Y et al. PLoS ONE. 2012; 7(10):e46688). This amino acid position is well conserved in available vertebrate species. Based on the majority of available evidence to date, this variant is likely to be pathogenic.

3billion
Classification: Likely pathogenic for Ataxia-telangiectasia syndrome. Last evaluated: 2025-05-02. Review status: criteria provided, single submitter. Criteria: ACMG Guidelines, 2015. Collection method: clinical testing. Allele origin: germline. Affected: yes.
Comment: The variant is observed at an extremely low frequency in the gnomAD v4.1.0 dataset (total allele frequency: <0.001%). Predicted Consequence/Location: Inframe deletion located in a nonrepeat region: predicted to change the length of the protein and disrupt normal protein function. The variant has been reported to be in trans with a pathogenic variant as either compound heterozygous or homozygous in at least one similarly affected unrelated individual (PMID: 9887333). The variant has been reported at least twice as pathogenic with clinical assertions and evidence for the classification (ClinVar ID: VCV000233938 /PMID: 9887333 /3billion dataset). Therefore, this variant is classified as Likely pathogenic according to the recommendation of ACMG/AMP guideline.

Myriad Genetics, Inc.
Classification: Likely pathogenic for Familial cancer of breast. Last evaluated: 2024-02-01. Review status: criteria provided, single submitter. Criteria: Myriad Autosomal Dominant, Autosomal Recessive and X-Linked Classification Criteria (2023). Collection method: clinical testing. Allele origin: unknown.
Comment: This variant is considered likely pathogenic. This variant has been reported in multiple individuals with clinical features of gene-specific disease [PMID: 9887333, 23726790, 21965147]. Functional studies indicate this variant impacts protein function [PMID: 11805335].

Baylor Genetics
Classification: Pathogenic for Familial cancer of breast. Last evaluated: 2023-07-24. Review status: criteria provided, single submitter. Criteria: ACMG Guidelines, 2015. Collection method: clinical testing. Allele origin: unknown.

GeneDx
Classification: Likely pathogenic. Last evaluated: 2022-05-04. Review status: criteria provided, single submitter. Criteria: GeneDx Variant Classification Process June 2021. Collection method: clinical testing. Allele origin: germline. Affected: yes.
Comment: In-frame deletion of 1 amino acid in a non-repeat region; Published functional studies demonstrate loss of protein expression that results in reduced kinase activity (Sandoval 1999, Scott 2002); In silico analysis supports a deleterious effect on protein structure/function; Not observed at significant frequency in large population cohorts (gnomAD); This variant is associated with the following publications: (PMID: 21965147, 10817650, 10425038, 11805335, Erdem2019[article], 9887333)

Color Diagnostics, LLC DBA Color Health
Classification: Likely pathogenic for Hereditary cancer-predisposing syndrome. Last evaluated: 2021-08-31. Review status: criteria provided, single submitter. Criteria: ACMG Guidelines, 2015. Collection method: clinical testing. Allele origin: germline.
Comment: This variant causes an in-frame deletion of one amino acid in the ATM protein. Functional studies have reported that the variant protein displayed no detectable ATM kinase activity and failed to restore normal radiosensitivity in ATM-deficient cells (PMID: 9887333). This variant (also known as p.Val2662del in the literature) has been reported in the homozygous state or compound heterozygous state with an additional pathogenic ATM variant in individuals affected with ataxia telangiectasia (PMID: 9887333, 21965147), as well as in ataxia telangiectasia affected individuals whose second ATM mutation was not reported (PMID: 10425038, 10817650). This variant has been identified in 1/251250 chromosomes in the general population by the Genome Aggregation Database (gnomAD). Based on the available evidence, this variant is classified as Likely Pathogenic.

Institute of Medical Genetics and Applied Genomics, University Hospital Tübingen
Classification: Likely pathogenic. Last evaluated: 2020-10-23. Review status: criteria provided, single submitter. Criteria: ACMG Guidelines, 2015. Collection method: clinical testing. Allele origin: germline. Inheritance: Unknown mechanism. Affected: yes.

Literature cited by the submitters: PubMed 9887333 (cited by 6 submitters); PubMed 10425038 (cited by 3 submitters); PubMed 10817650 (cited by 3 submitters); PubMed 21965147 (cited by 5 submitters); PubMed 11805335 (cited by 4 submitters); PubMed 23726790 (cited by 3 submitters).